The following is an entry in ClinVar:

NM_001205293.3(CACNA1E):c.4274C>A (p.Thr1425Asn)

Gene: CACNA1E (calcium voltage-gated channel subunit alpha1 E; plus strand). Cytogenetic location: 1q25.3.
Variant type: single nucleotide variant.
Coding change: c.4274C>A on transcript NM_001205293.3 (MANE Select); coding-DNA position 4274, C replaced by A.
Protein change: p.Thr1425Asn; replaces threonine 1425 with asparagine.
Molecular consequence: missense variant.
Genome position (GRCh38, 1-based): chr1:181,757,071, C>A. VCF-style: chr1-181757071-C-A. GRCh37 (hg19) VCF-style: chr1-181726207-C-A.
Other names: c.4274C>A, p.Thr1425Asn (NM_000721.4); c.4217C>A, p.Thr1406Asn (NM_001205294.2); short protein forms T1406N, T1425N.
Identifiers: ClinVar variation 1344628 (VCV001344628.7), dbSNP rs2102689660, ClinGen allele CA343624475.

ClinVar aggregate classification (germline): Pathogenic. Review status: criteria provided, single submitter (1 of 4 stars). 2 submissions from 2 submitters: Pathogenic (1). 1 of the submissions does not count toward it. Last evaluated 2022-07-18.

Conditions:
Developmental and epileptic encephalopathy. Identifiers: MedGen C5779964, MONDO:0100620.

Submissions (2):

Labcorp Genetics (formerly Invitae), Labcorp
Classification: Pathogenic. Last evaluated: 2022-07-18. Review status: criteria provided, single submitter. Criteria: Invitae Variant Classification Sherloc (09022015). Collection method: clinical testing. Allele origin: germline.
Comment: This missense change has been observed in individual(s) with clinical features of CACNA1E-related conditions (PMID: 30343943). In at least one individual the variant was observed to be de novo. For these reasons, this variant has been classified as Pathogenic. Advanced modeling of protein sequence and biophysical properties (such as structural, functional, and spatial information, amino acid conservation, physicochemical variation, residue mobility, and thermodynamic stability) performed at Invitae indicates that this missense variant is expected to disrupt CACNA1E protein function. ClinVar contains an entry for this variant (Variation ID: 1344628). This variant is not present in population databases (gnomAD no frequency). This sequence change replaces threonine, which is neutral and polar, with asparagine, which is neutral and polar, at codon 1425 of the CACNA1E protein (p.Thr1425Asn).

Yale Center for Mendelian Genomics, Yale University
Classification: Likely pathogenic for Developmental and epileptic encephalopathy. Last evaluated: 2018-11-01. Review status: no assertion criteria provided. Collection method: literature only. Allele origin: de novo. Affected: yes. Observed: 2 heterozygotes. Study: Yale Center for Mendelian Genomics. Not counted in ClinVar's aggregate classification.

Literature cited by the submitters: PubMed 30343943 (cited by Labcorp Genetics (formerly Invitae), Labcorp and Yale Center for Mendelian Genomics, Yale University).